The following is an entry in ClinVar:

NM_001374828.1(ARID1B):c.44G>C (p.Arg15Pro)

Genes: ARID1B (AT-rich interaction domain 1B; plus strand), LOC115308161 (uncharacterized LOC115308161; minus strand). Cytogenetic location: 6q25.3.
Variant type: single nucleotide variant.
Coding change: c.44G>C on transcript NM_001374828.1 (MANE Select); coding-DNA position 44, G replaced by C.
Protein change: p.Arg15Pro; replaces arginine 15 with proline.
Molecular consequence: missense variant.
Genome position (GRCh38, 1-based): chr6:156,777,724, G>C. VCF-style: chr6-156777724-G-C. GRCh37 (hg19) VCF-style: chr6-157098858-G-C.
Other names: c.44G>C, p.Arg15Pro (NM_001371656.1, NM_001374820.1, NM_017519.3); short protein forms R15P.
Identifiers: ClinVar variation 3341878 (VCV003341878.16).

ClinVar aggregate classification (germline): Likely benign (1 of 4 stars; one submission).

Submission:

CeGaT Center for Human Genetics Tuebingen
Classification: Likely benign. Last evaluated: 2024-08-01. Review status: criteria provided, single submitter. Criteria: CeGaT Center For Human Genetics Tuebingen Variant Classification Criteria Version 2. Collection method: clinical testing. Allele origin: germline. Affected: yes. Observed: 1 variant allele.
Comment: ARID1B: BS2